The following is an entry in ClinVar:

NM_016312.3(WBP11):c.1171C>T (p.Gln391Ter)

Gene: WBP11 (WW domain binding protein 11; minus strand). Cytogenetic location: 12p12.3.
Variant type: single nucleotide variant.
Coding change: c.1171C>T on transcript NM_016312.3 (MANE Select); coding-DNA position 1171, C replaced by T.
Protein change: p.Gln391Ter; replaces glutamine 391 with a stop codon.
Molecular consequence: nonsense.
Genome position (GRCh38, 1-based): chr12:14,790,594, G>A on the plus strand (C>T on the coding strand, the complement: WBP11 is on the minus strand). VCF-style: chr12-14790594-G-A. GRCh37 (hg19) VCF-style: chr12-14943528-G-A.
Other names: short protein forms Q391*.
Identifiers: ClinVar variation 4530836 (VCV004530836.1).

ClinVar aggregate classification (germline): Likely pathogenic (1 of 4 stars; one submission).

Submission:

GeneDx
Classification: Likely pathogenic. Last evaluated: 2025-05-24. Review status: criteria provided, single submitter. Criteria: GeneDx Variant Classification Process June 2021. Collection method: clinical testing. Allele origin: germline. Affected: yes.
Comment: Identified in an individual with severe, extremely treatment-resistant schizophrenia; familial segregation information and additional clinical information were not included (PMID: 34903660); Nonsense variant predicted to result in protein truncation or nonsense mediated decay in a gene for which loss of function is a known mechanism of disease; Not observed at significant frequency in large population cohorts (gnomAD); This variant is associated with the following publications: (PMID: 34903660)